The following is an entry in ClinVar:

NM_001128.6(AP1G1):c.1497+1G>A

Gene: AP1G1 (adaptor related protein complex 1 subunit gamma 1; minus strand). Cytogenetic location: 16q22.2.
Variant type: single nucleotide variant.
Coding change: c.1497+1G>A on transcript NM_001128.6 (MANE Select); the canonical splice donor site of the intron after coding-DNA position 1497, G replaced by A.
Molecular consequence: splice donor variant.
Genome position (GRCh38, 1-based): chr16:71,749,893, C>T on the plus strand (G>A on the coding strand, the complement: AP1G1 is on the minus strand). VCF-style: chr16-71749893-C-T. GRCh37 (hg19) VCF-style: chr16-71783796-C-T.
Other names: c.1506+1G>A (NM_001030007.2).
Identifiers: ClinVar variation 2573171 (VCV002573171.3), dbSNP rs2543526102, ClinGen allele CA396667241.

ClinVar aggregate classification (germline): Pathogenic/Likely pathogenic. Review status: criteria provided, multiple submitters, no conflicts (2 of 4 stars). 2 submissions from 2 submitters: Pathogenic (1); Likely pathogenic (1). Last evaluated 2025-02-26.

Conditions:
Usmani-Riazuddin syndrome, autosomal dominant (USRISD). Identifiers: MedGen C5561952, MONDO:0859174, OMIM 619467.
Usmani-Riazuddin syndrome, autosomal recessive (USRISR). Identifiers: MedGen C5561994, MONDO:0859196, OMIM 619548.

Submissions (2):

Clinical Genetics Laboratory, University Hospital Schleswig-Holstein
Classification: Likely pathogenic for Usmani-Riazuddin syndrome, autosomal dominant. Last evaluated: 2025-02-26. Review status: criteria provided, single submitter. Criteria: ACMG Guidelines, 2015. Collection method: clinical testing. Allele origin: de novo. Affected: yes. Observed: 1 heterozygote.
Comment: ACMG criteria applied: PVS1_Moderate, PM2, PS2, PS4_Supporting

Department of Human Genetics, Hannover Medical School
Classification: Pathogenic for Usmani-Riazuddin syndrome, autosomal recessive. Last evaluated: 2023-07-24. Review status: criteria provided, single submitter. Criteria: ACMG Guidelines, 2015. Collection method: clinical testing. Allele origin: germline. Affected: yes.